The following is an entry in ClinVar:

ClinVar aggregate classification (germline): Pathogenic/Likely pathogenic. Review status: criteria provided, multiple submitters, no conflicts (2 of 4 stars). 5 submissions from 5 submitters: Pathogenic (3); Likely pathogenic (2). Last evaluated 2025-04-04.

Conditions:
Congenital myasthenic syndrome (CMS). Also called: Congenital Myasthenic Syndromes. Identifiers: Orphanet 590, MedGen C0751882, MeSH D020294, MONDO:0018940.
Congenital myasthenic syndrome 4A. Also called: Myasthenic syndrome, congenital, 4a, slow-channel; CONGENITAL MYASTHENIC SYNDROME TYPE Ia1; MYASTHENIC SYNDROME, CONGENITAL, 4A, SLOW-CHANNEL, AUTOSOMAL RECESSIVE. Identifiers: Orphanet 590, MedGen C4225413, MONDO:0011600, OMIM 605809.

Submissions (5):

Myriad Genetics, Inc.
Classification: Pathogenic for Congenital myasthenic syndrome. Last evaluated: 2025-04-04. Review status: criteria provided, single submitter. Criteria: Myriad Autosomal Dominant, Autosomal Recessive and X-Linked Classification Criteria (2023). Collection method: clinical testing. Allele origin: unknown.
Comment: NM_000080.3(CHRNE):c.115dupA(S39Kfs*8) is a frameshift variant classified as pathogenic in the context of congenital myasthenic syndrome, CHRNE-related. S39Kfs*8 has not been observed in cases with relevant disease. Relevant functional assessments of this variant are not available in the literature. S39Kfs*8 has been observed in referenced population frequency databases. In summary, NM_000080.3(CHRNE):c.115dupA(S39Kfs*8) is a frameshift variant in a gene where loss of function is a known mechanism of disease and is predicted to disrupt protein function. Please note: this variant was assessed in the context of healthy population screening.

Natera, Inc.
Classification: Likely pathogenic for Congenital myasthenic syndrome. Last evaluated: 2024-06-12. Review status: criteria provided, single submitter. Criteria: Natera Variant Classification Schema (03/2026). Collection method: clinical testing. Allele origin: germline.
Comment: The c.115dupA variant in CHRNE is a frameshift variant predicted to shift the reading frame beginning at codon 39 and leads to a stop codon 8 codons downstream. This variant is expected to result in nonsense mediated decay, truncation, or a dysfunctional protein product. This variant is rare in the general population with a frequency below the threshold expected for the associated phenotype(s). Given the available evidence, this variant is classified as Likely Pathogenic.

GeneDx
Classification: Pathogenic. Last evaluated: 2024-02-12. Review status: criteria provided, single submitter. Criteria: GeneDx Variant Classification Process June 2021. Collection method: clinical testing. Allele origin: germline. Affected: yes.
Comment: Frameshift variant predicted to result in protein truncation or nonsense mediated decay in a gene for which loss-of-function is a known mechanism of disease; Not observed at significant frequency in large population cohorts (gnomAD); Has not been previously published as pathogenic or benign to our knowledge; This variant is associated with the following publications: (PMID: 22678886)

Baylor Genetics
Classification: Likely pathogenic for Congenital myasthenic syndrome 4A. Last evaluated: 2024-01-16. Review status: criteria provided, single submitter. Criteria: ACMG Guidelines, 2015. Collection method: clinical testing. Allele origin: unknown.

Labcorp Genetics (formerly Invitae), Labcorp
Classification: Pathogenic for Congenital myasthenic syndrome 4A. Last evaluated: 2023-06-20. Review status: criteria provided, single submitter. Criteria: Invitae Variant Classification Sherloc (09022015). Collection method: clinical testing. Allele origin: germline.
Comment: For these reasons, this variant has been classified as Pathogenic. ClinVar contains an entry for this variant (Variation ID: 647119). This variant has not been reported in the literature in individuals affected with CHRNE-related conditions. This variant is present in population databases (no rsID available, gnomAD 0.0009%). This sequence change creates a premature translational stop signal (p.Ser39Lysfs*8) in the CHRNE gene. It is expected to result in an absent or disrupted protein product. Loss-of-function variants in CHRNE are known to be pathogenic (PMID: 22678886).

Literature cited by the submitters: PubMed 22678886 (cited by Labcorp Genetics (formerly Invitae), Labcorp).

NM_000080.4(CHRNE):c.115dup (p.Ser39fs)

Genes: C17orf107 (chromosome 17 open reading frame 107; plus strand), CHRNE (cholinergic receptor nicotinic epsilon subunit; minus strand). Cytogenetic location: 17p13.2.
Variant type: Duplication.
Coding change: c.115dup on transcript NM_000080.4 (MANE Select); coding-DNA position 115, one base duplicated (A; older notation c.115dupA).
Protein change: p.Ser39fs; shifts the reading frame from serine 39.
Molecular consequence: frameshift variant. On other transcripts: 3 prime UTR variant (1).
Genome position (GRCh38, 1-based): chr17:4,902,695, T duplicated on the plus strand (A on the coding strand, the reverse complement: CHRNE is on the minus strand); the first of 2 consecutive T bases (chr17:4,902,695-4,902,696); duplicating either gives the same sequence. VCF-style (leftmost placement, unchanged base first): chr17-4902694-C-CT. GRCh37 (hg19) VCF-style: chr17-4805989-C-CT.
Other names: c.115dup (NM_000080.3); c.*2163dup (NM_001145536.2); short protein forms S39fs.
Identifiers: ClinVar variation 647119 (VCV000647119.11), dbSNP rs977512223, ClinGen allele CA287187088.
Genomic context (GRCh38, chr17:4,902,694, plus strand): 5'-TTCGTCAGGGTGACCTTGAGGCTGATGGTGACAGTATCCTCAGGCTCCCGCACTGGCCGG[C>CT]TTCCTGGGTCATAGTTGTTGAAGAGATGGTGATAAAGACGCAGTTCCTCGTTCTTCCCCA-3'